The following is an entry in ClinVar:

NM_203447.4(DOCK8):c.1868+6T>C

Gene: DOCK8 (dedicator of cytokinesis 8; plus strand). Cytogenetic location: 9p24.3.
Variant type: single nucleotide variant.
Coding change: c.1868+6T>C on transcript NM_203447.4 (MANE Select); 6 bases into the intron after coding-DNA position 1868, T replaced by C.
Molecular consequence: intron variant.
Genome position (GRCh38, 1-based): chr9:370,306, T>C. VCF-style: chr9-370306-T-C. GRCh37 (hg19) VCF-style: chr9-370306-T-C.
Other names: c.1664+6T>C (NM_001193536.2, NM_001190458.2).
Identifiers: ClinVar variation 565572 (VCV000565572.14), dbSNP rs777072262, ClinGen allele CA4957969.

ClinVar aggregate classification (germline): Conflicting classifications of pathogenicity. Review status: criteria provided, conflicting classifications (1 of 4 stars). 4 submissions from 4 submitters: Uncertain significance (2); Likely benign (1). 1 of the submissions does not count toward it. Last evaluated 2024-11-20.

Conditions:
DOCK8-related disorder. Also called: DOCK8-related condition.

Allele frequency attached by ClinVar (database versions not stated): gnomAD 0.00005 and 0.00006; gnomAD exomes 0.00005 and 0.00012; ExAC 0.00007; TOPMed 0.00007.
gnomAD v4.1: 184 of 1,612,966 alleles (0.011%); highest among the groups gnomAD compares: Non-Finnish European, 0.015%; no homozygotes.

Submissions (4):

Blueprint Genetics
Classification: Uncertain significance. Last evaluated: 2024-11-20. Review status: criteria provided, single submitter. Criteria: ACMG Guidelines, 2015. Collection method: clinical testing. Allele origin: germline.

Labcorp Genetics (formerly Invitae), Labcorp
Classification: Uncertain significance for Combined immunodeficiency due to DOCK8 deficiency. Last evaluated: 2024-10-16. Review status: criteria provided, single submitter. Criteria: Invitae Variant Classification Sherloc (09022015). Collection method: clinical testing. Allele origin: germline.
Comment: This sequence change falls in intron 16 of the DOCK8 gene. It does not directly change the encoded amino acid sequence of the DOCK8 protein. It affects a nucleotide within the consensus splice site. This variant is present in population databases (rs777072262, gnomAD 0.01%). This variant has not been reported in the literature in individuals affected with DOCK8-related conditions. ClinVar contains an entry for this variant (Variation ID: 565572). Variants that disrupt the consensus splice site are a relatively common cause of aberrant splicing (PMID: 17576681, 9536098). Algorithms developed to predict the effect of sequence changes on RNA splicing suggest that this variant may disrupt the consensus splice site. In summary, the available evidence is currently insufficient to determine the role of this variant in disease. Therefore, it has been classified as a Variant of Uncertain Significance.

Genetic Services Laboratory, University of Chicago
Classification: Likely benign. Last evaluated: 2021-10-04. Review status: criteria provided, single submitter. Criteria: ACMG Guidelines, 2015. Collection method: clinical testing. Allele origin: germline. Affected: no.

PreventionGenetics, part of Exact Sciences
Classification: Likely benign for DOCK8-related condition. Last evaluated: 2022-05-19. Review status: no assertion criteria provided. Collection method: clinical testing. Allele origin: germline. Not counted in ClinVar's aggregate classification.
Comment: This variant is classified as likely benign based on ACMG/AMP sequence variant interpretation guidelines (Richards et al. 2015 PMID: 25741868, with internal and published modifications).

Literature cited by the submitters: PubMed 17576681 (cited by Labcorp Genetics (formerly Invitae), Labcorp); PubMed 9536098 (cited by Labcorp Genetics (formerly Invitae), Labcorp).